The following is an entry in ClinVar:

ClinVar aggregate classification (germline): Uncertain significance (1 of 4 stars; one submission).

Allele frequency attached by ClinVar (database versions not stated): gnomAD exomes below 0.00001; TOPMed below 0.00001.
gnomAD v4.1: 1 of 1,576,250 alleles (0.000063%); highest among the groups gnomAD compares: Non-Finnish European, 0.000087%; no homozygotes.

Submission:

Labcorp Genetics (formerly Invitae), Labcorp
Classification: Uncertain significance. Last evaluated: 2021-05-12. Review status: criteria provided, single submitter. Criteria: Invitae Variant Classification Sherloc (09022015). Collection method: clinical testing. Allele origin: germline.
Comment: In summary, the available evidence is currently insufficient to determine the role of this variant in disease. Therefore, it has been classified as a Variant of Uncertain Significance. Algorithms developed to predict the effect of missense changes on protein structure and function are either unavailable or do not agree on the potential impact of this missense change (SIFT: "Deleterious"; PolyPhen-2: "Not Available"; Align-GVGD: "Class C0"). This variant has not been reported in the literature in individuals with CIB1-related conditions. This variant is not present in population databases (ExAC no frequency). This sequence change replaces alanine with aspartic acid at codon 58 of the CIB1 protein (p.Ala58Asp). The alanine residue is weakly conserved and there is a moderate physicochemical difference between alanine and aspartic acid.

NM_006384.4(CIB1):c.87-34C>A

Gene: CIB1 (calcium and integrin binding 1; minus strand). Cytogenetic location: 15q26.1.
Variant type: single nucleotide variant.
Coding change: c.87-34C>A on transcript NM_006384.4 (MANE Select); 34 bases into the intron before coding-DNA position 87, C replaced by A.
Molecular consequence: intron variant. On other transcripts: missense variant (1).
Genome position (GRCh38, 1-based): chr15:90,232,361, G>T on the plus strand (C>A on the coding strand, the complement: CIB1 is on the minus strand). VCF-style: chr15-90232361-G-T. GRCh37 (hg19) VCF-style: chr15-90775593-G-T.
Other names: c.173C>A, p.Ala58Asp (NM_001277764.2); short protein forms A58D.
Identifiers: ClinVar variation 1469548 (VCV001469548.8), dbSNP rs1299639922, ClinGen allele CA393816207.